The following is an entry in ClinVar:

ClinVar aggregate classification (germline): Uncertain significance (1 of 4 stars; one submission).

Conditions:
Hereditary cancer-predisposing syndrome. Also called: Hereditary neoplastic syndrome; Hereditary Cancer Syndrome; Neoplastic Syndromes, Hereditary; Tumor predisposition. Identifiers: Orphanet 140162, MedGen C0027672, MeSH D009386, MONDO:0015356.

Submission:

Ambry Genetics
Classification: Uncertain significance for Hereditary cancer-predisposing syndrome. Last evaluated: 2023-03-21. Review status: criteria provided, single submitter. Criteria: Ambry Variant Classification Scheme 2023. Collection method: clinical testing. Allele origin: germline.
Comment: The p.Q220R variant (also known as c.659A>G), located in coding exon 6 of the NBN gene, results from an A to G substitution at nucleotide position 659. The glutamine at codon 220 is replaced by arginine, an amino acid with highly similar properties. This amino acid position is not well conserved in available vertebrate species. In addition, this alteration is predicted to be tolerated by in silico analysis. Since supporting evidence is limited at this time, the clinical significance of this alteration remains unclear.

NM_002485.5(NBN):c.659A>G (p.Gln220Arg)

Gene: NBN (nibrin; minus strand). Cytogenetic location: 8q21.3.
Variant type: single nucleotide variant.
Coding change: c.659A>G on transcript NM_002485.5 (MANE Select); coding-DNA position 659, A replaced by G.
Protein change: p.Gln220Arg; replaces glutamine 220 with arginine.
Molecular consequence: missense variant.
Genome position (GRCh38, 1-based): chr8:89,971,216, T>C on the plus strand (A>G on the coding strand, the complement: NBN is on the minus strand). VCF-style: chr8-89971216-T-C. GRCh37 (hg19) VCF-style: chr8-90983444-T-C.
Other names: c.413A>G, p.Gln138Arg (NM_001024688.3); short protein forms Q138R, Q220R.
Identifiers: ClinVar variation 2566725 (VCV002566725.2), dbSNP rs2488315628, ClinGen allele CA371659080.